The following is an entry in ClinVar:

ClinVar aggregate classification (germline): Pathogenic (1 of 4 stars; one submission).

Submission:

Labcorp Genetics (formerly Invitae), Labcorp
Classification: Pathogenic. Last evaluated: 2023-04-28. Review status: criteria provided, single submitter. Criteria: Invitae Variant Classification Sherloc (09022015). Collection method: clinical testing. Allele origin: germline.
Comment: This sequence change creates a premature translational stop signal (p.Gln96Thrfs*4) in the GORAB gene. It is expected to result in an absent or disrupted protein product. Loss-of-function variants in GORAB are known to be pathogenic (PMID: 18997784, 19681135). This variant is not present in population databases (gnomAD no frequency). This variant has not been reported in the literature in individuals affected with GORAB-related conditions. For these reasons, this variant has been classified as Pathogenic.

Literature cited by the submitters: PubMed 18997784; PubMed 19681135.

NM_152281.3(GORAB):c.206dup (p.Gln71fs)

Gene: GORAB (golgin, RAB6 interacting; plus strand). Cytogenetic location: 1q24.2.
Variant type: Duplication.
Coding change: c.206dup on transcript NM_152281.3 (MANE Select); coding-DNA position 206, one base duplicated (C; older notation c.206dupC).
Protein change: p.Gln71fs; shifts the reading frame from glutamine 71.
Molecular consequence: frameshift variant. On other transcripts: 5 prime UTR variant (1), non-coding transcript variant (1).
Genome position (GRCh38, 1-based): chr1:170,539,354, C duplicated; the last of 2 consecutive C bases (chr1:170,539,353-170,539,354); duplicating either gives the same sequence. VCF-style (leftmost placement, unchanged base first): chr1-170539352-A-AC. GRCh37 (hg19) VCF-style: chr1-170508493-A-AC.
Other names: c.206dup, p.Gln71fs (NM_001146039.2); c.-260dup (NM_001320252.2); c.155dup, p.Gln54fs (NM_001410894.1); short protein forms Q54fs, Q71fs.
Identifiers: ClinVar variation 2791339 (VCV002791339.3), dbSNP rs1649258525, ClinGen allele CA1206550481.